The following is an entry in ClinVar:

ClinVar aggregate classification (germline): Benign. Review status: criteria provided, single submitter (1 of 4 stars). 2 submissions from 1 submitter: Benign (2). Last evaluated 2018-01-12.

Conditions:
Waardenburg syndrome type 2A (WS2A). Also called: WAARDENBURG SYNDROME WITHOUT DYSTOPIA CANTHORUM. Identifiers: Orphanet 3440, MedGen C1860339, MONDO:0008671, OMIM 193510.
Tietz syndrome (TADS). Also called: ALBINISM-DEAFNESS OF TIETZ; HYPOPIGMENTATION/DEAFNESS OF TIETZ; TIETZ ALBINISM-DEAFNESS SYNDROME. Identifiers: Orphanet 42665, MedGen C0391816, MONDO:0007077, OMIM 103500.

Allele frequency attached by ClinVar (database versions not stated): TOPMed 0.00019; gnomAD exomes 0.00022; gnomAD 0.00028 and 0.00032; 1000 Genomes Project 30x 0.00203; 1000 Genomes Project 0.00300.
gnomAD v4.1: 119 of 431,932 alleles (0.028%); highest among the groups gnomAD compares: East Asian, 0.33%; no homozygotes.

Submissions (2):

Illumina Laboratory Services, Illumina
Classification: Benign for Tietz syndrome. Last evaluated: 2018-01-12. Review status: criteria provided, single submitter. Criteria: ICSL Variant Classification Criteria 13 December 2019. Collection method: clinical testing. Allele origin: germline.
Comment: This variant was observed in the ICSL laboratory as part of a predisposition screen in an ostensibly healthy population. It had not been previously curated by ICSL or reported in the Human Gene Mutation Database (HGMD: prior to June 1st, 2018), and was therefore a candidate for classification through an automated scoring system. Utilizing variant allele frequency, disease prevalence and penetrance estimates, and inheritance mode, an automated score was calculated to assess if this variant is too frequent to cause the disease. Based on the score and internal cut-off values, a variant classified as benign is not then subjected to further curation. The score for this variant resulted in a classification of benign for this disease.

Illumina Laboratory Services, Illumina
Classification: Benign for Waardenburg syndrome type 2A. Last evaluated: 2018-01-12. Review status: criteria provided, single submitter. Criteria: ICSL Variant Classification Criteria 13 December 2019. Collection method: clinical testing. Allele origin: germline.
Comment: the same text as in the submission from Illumina Laboratory Services, Illumina above.

NM_001354604.2(MITF):c.*235T>C

Gene: MITF (melanocyte inducing transcription factor; plus strand). Cytogenetic location: 3p13.
Variant type: single nucleotide variant.
Coding change: c.*235T>C on transcript NM_001354604.2 (MANE Select); 235 bases downstream of the stop codon, T replaced by C.
Molecular consequence: 3 prime UTR variant.
Genome position (GRCh38, 1-based): chr3:69,965,483, T>C. VCF-style: chr3-69965483-T-C. GRCh37 (hg19) VCF-style: chr3-70014634-T-C.
Other names: c.*235T>C (NM_001354605.2, NM_001354606.2, NM_001354607.2 and 8 more transcripts).
Identifiers: ClinVar variation 346507 (VCV000346507.5), dbSNP rs183031244, ClinGen allele CA10616574.